The following is an entry in ClinVar:

ClinVar aggregate classification (germline): Likely benign (1 of 4 stars; one submission).

Allele frequency attached by ClinVar (database versions not stated): gnomAD exomes below 0.00001.
gnomAD v4.1: 5 of 1,614,094 alleles (0.00031%); highest among the groups gnomAD compares: Non-Finnish European, 0.00017%; no homozygotes.

Submission:

CeGaT Center for Human Genetics Tuebingen
Classification: Likely benign. Last evaluated: 2023-09-01. Review status: criteria provided, single submitter. Criteria: CeGaT Center For Human Genetics Tuebingen Variant Classification Criteria Version 2. Collection method: clinical testing. Allele origin: germline. Affected: yes. Observed: 3 variant alleles.
Comment: FLG: PM2:Supporting, BP4, BP7

NM_002016.2(FLG):c.5058G>A (p.Gln1686=)

Genes: CCDST (cervical cancer associated DHX9 suppressive transcript; plus strand), FLG (filaggrin; minus strand). Cytogenetic location: 1q21.3.
Variant type: single nucleotide variant.
Coding change: c.5058G>A on transcript NM_002016.2 (MANE Select); coding-DNA position 5058, G replaced by A.
Protein change: p.Gln1686=; no amino-acid change (glutamine 1686 retained).
Molecular consequence: synonymous variant.
Genome position (GRCh38, 1-based): chr1:152,309,828, C>T on the plus strand (G>A on the coding strand, the complement: FLG is on the minus strand). VCF-style: chr1-152309828-C-T. GRCh37 (hg19) VCF-style: chr1-152282304-C-T.
Identifiers: ClinVar variation 2639285 (VCV002639285.24), dbSNP rs1652262939, ClinGen allele CA420929579.